The following is an entry in ClinVar:

ClinVar aggregate classification (germline): Uncertain significance (1 of 4 stars; one submission).

Conditions:
PGM1-congenital disorder of glycosylation. Also called: Congenital disorder of glycosylation type 1t; PHOSPHOGLUCOMUTASE 1 DEFICIENCY; PGM1 DEFICIENCY; GLYCOGEN STORAGE DISEASE XIV; GSD XIV; CDG It. Identifiers: Orphanet 319646, MedGen C2752015, MONDO:0013968, OMIM 614921.

Allele frequency attached by ClinVar (database versions not stated): gnomAD exomes below 0.00001 and 0.00002; ExAC 0.00001; gnomAD 0.00001; TOPMed 0.00002.
gnomAD v4.1: 5 of 1,606,454 alleles (0.00031%); highest among the groups gnomAD compares: Admixed American, 0.0068%; no homozygotes.

Submission:

Labcorp Genetics (formerly Invitae), Labcorp
Classification: Uncertain significance for PGM1-congenital disorder of glycosylation. Last evaluated: 2022-08-09. Review status: criteria provided, single submitter. Criteria: Invitae Variant Classification Sherloc (09022015). Collection method: clinical testing. Allele origin: germline.
Comment: In summary, the available evidence is currently insufficient to determine the role of this variant in disease. Therefore, it has been classified as a Variant of Uncertain Significance. Algorithms developed to predict the effect of missense changes on protein structure and function (SIFT, PolyPhen-2, Align-GVGD) all suggest that this variant is likely to be disruptive. ClinVar contains an entry for this variant (Variation ID: 1016026). This variant has not been reported in the literature in individuals affected with PGM1-related conditions. This variant is present in population databases (rs759782258, gnomAD 0.009%). This sequence change replaces glycine, which is neutral and non-polar, with cysteine, which is neutral and slightly polar, at codon 63 of the PGM1 protein (p.Gly63Cys).

NM_002633.3(PGM1):c.187G>T (p.Gly63Cys)

Genes: PGM1 (phosphoglucomutase 1; plus strand), LOC129930668 (ATAC-STARR-seq lymphoblastoid active region 1127; plus strand). Cytogenetic location: 1p31.3.
Variant type: single nucleotide variant.
Coding change: c.187G>T on transcript NM_002633.3 (MANE Select); coding-DNA position 187, G replaced by T.
Protein change: p.Gly63Cys; replaces glycine 63 with cysteine.
Molecular consequence: missense variant.
Genome position (GRCh38, 1-based): chr1:63,593,675, G>T. VCF-style: chr1-63593675-G-T. GRCh37 (hg19) VCF-style: chr1-64059346-G-T.
Other names: short protein forms G63C.
Identifiers: ClinVar variation 1016026 (VCV001016026.9), dbSNP rs759782258, ClinGen allele CA889381.
Genomic context (GRCh38, chr1:63,593,675, plus strand): 5'-ATCATCTCCACCGTGGAGCCGGCGCAGCGGCAGGAGGCCACGCTGGTGGTGGGCGGGGAC[G>T]GCCGGTTCTACATGAAGGAGGCCATCCAGCTCATCGCTCGCATCGCTGCCGCCAACGGGG-3'
Protein context (NP_002624.2, residues 53-73): QEATLVVGGD[Gly63Cys]RFYMKEAIQL